The following is an entry in ClinVar:

ClinVar aggregate classification (germline): Uncertain significance. Review status: criteria provided, multiple submitters, no conflicts (2 of 4 stars). 2 submissions from 2 submitters: Uncertain significance (2). Last evaluated 2024-12-14.

Conditions:
Cardiomyopathy (CMYO). Also called: Cardiomyopathies. Identifiers: Orphanet 167848, MedGen C0878544, MONDO:0004994, HP:0001638. Inheritance: Various modes of inheritance.

Submissions (2):

GeneDx
Classification: Uncertain significance. Last evaluated: 2024-12-14. Review status: criteria provided, single submitter. Criteria: GeneDx Variant Classification Process June 2021. Collection method: clinical testing. Allele origin: germline. Affected: yes.
Comment: Not observed at significant frequency in large population cohorts (gnomAD); In silico analysis supports that this missense variant has a deleterious effect on protein structure/function; Has not been previously published as pathogenic or benign to our knowledge; Located in one of the three hot-spot regions of the RYR2 gene, where the majority of pathogenic missense variants occur (PMID: 19926015); This variant is associated with the following publications: (PMID: 19926015)

Color Diagnostics, LLC DBA Color Health
Classification: Uncertain significance for Cardiomyopathy. Last evaluated: 2024-03-06. Review status: criteria provided, single submitter. Criteria: ACMG Guidelines, 2015. Collection method: clinical testing. Allele origin: germline.
Comment: This missense variant replaces threonine with arginine at codon 327 of the RYR2 protein. Computational prediction suggests that this variant may have deleterious impact on protein structure and function (internally defined REVEL score threshold >= 0.7, PMID: 27666373). To our knowledge, functional studies have not been reported for this variant. This variant has not been reported in individuals affected with cardiovascular disorders in the literature. This variant has not been identified in the general population by the Genome Aggregation Database (gnomAD). The available evidence is insufficient to determine the role of this variant in disease conclusively. Therefore, this variant is classified as a Variant of Uncertain Significance.

NM_001035.3(RYR2):c.980C>G (p.Thr327Arg)

Gene: RYR2 (ryanodine receptor 2; plus strand). Cytogenetic location: 1q43.
Variant type: single nucleotide variant.
Coding change: c.980C>G on transcript NM_001035.3 (MANE Select); coding-DNA position 980, C replaced by G.
Protein change: p.Thr327Arg; replaces threonine 327 with arginine.
Molecular consequence: missense variant.
Genome position (GRCh38, 1-based): chr1:237,423,223, C>G. VCF-style: chr1-237423223-C-G. GRCh37 (hg19) VCF-style: chr1-237586523-C-G.
Other names: c.980C>G (NM_001035.2); short protein forms T327R.
Identifiers: ClinVar variation 2774246 (VCV002774246.3), dbSNP rs1705772286, ClinGen allele CA345385570.
Genomic context (GRCh38, chr1:237,423,223, plus strand): 5'-GTCTCATGGAAGACAAAAACCTTCTACTCATGGACAAAGAGAAAGCTGATGTAAAATCAA[C>G]AGCATTTACCTTCCGGTCTTCCAAGGTGAGACAGAAAATATTTTGGGTTTCCTATAAATG-3'
Protein context (NP_001026.2, residues 317-337): MDKEKADVKS[Thr327Arg]AFTFRSSKEK